The following is an entry in ClinVar:

ClinVar aggregate classification (germline): Likely benign. Review status: criteria provided, multiple submitters, no conflicts (2 of 4 stars). 2 submissions from 2 submitters: Likely benign (2). Last evaluated 2025-01-01.

Conditions:
Inborn genetic diseases. Identifiers: MedGen C0950123, MeSH D030342.

Allele frequency attached by ClinVar (database versions not stated): gnomAD 0.00008; 1000 Genomes Project 0.00020; 1000 Genomes Project 30x 0.00031; ExAC 0.00151.
gnomAD v4.1: 241 of 1,184,104 alleles (0.02%); highest among the groups gnomAD compares: South Asian, 0.3%; 2 homozygotes.

Submissions (2):

CeGaT Center for Human Genetics Tuebingen
Classification: Likely benign. Last evaluated: 2025-01-01. Review status: criteria provided, single submitter. Criteria: CeGaT Center For Human Genetics Tuebingen Variant Classification Criteria Version 2. Collection method: clinical testing. Allele origin: germline. Affected: yes. Observed: 1 variant allele.
Comment: TAF4: BS2

Ambry Genetics
Classification: Likely benign for Inborn genetic diseases. Last evaluated: 2023-08-04. Review status: criteria provided, single submitter. Criteria: Ambry Variant Classification Scheme 2023. Collection method: clinical testing. Allele origin: germline.

NM_003185.4(TAF4):c.611T>G (p.Leu204Arg)

Gene: TAF4 (TATA-box binding protein associated factor 4; minus strand). Cytogenetic location: 20q13.33.
Variant type: single nucleotide variant.
Coding change: c.611T>G on transcript NM_003185.4 (MANE Select); coding-DNA position 611, T replaced by G.
Protein change: p.Leu204Arg; replaces leucine 204 with arginine.
Molecular consequence: missense variant.
Genome position (GRCh38, 1-based): chr20:62,065,200, A>C on the plus strand (T>G on the coding strand, the complement: TAF4 is on the minus strand). VCF-style: chr20-62065200-A-C. GRCh37 (hg19) VCF-style: chr20-60640256-A-C.
Other names: short protein forms L204R.
Identifiers: ClinVar variation 2591452 (VCV002591452.15), dbSNP rs560761408, ClinGen allele CA9936049.